The following is an entry in ClinVar:

NM_000548.5(TSC2):c.1606G>T (p.Ala536Ser)

Gene: TSC2 (TSC complex subunit 2; plus strand). Cytogenetic location: 16p13.3.
Variant type: single nucleotide variant.
Coding change: c.1606G>T on transcript NM_000548.5 (MANE Select); coding-DNA position 1606, G replaced by T.
Protein change: p.Ala536Ser; replaces alanine 536 with serine.
Molecular consequence: missense variant.
Genome position (GRCh38, 1-based): chr16:2,065,525, G>T. VCF-style: chr16-2065525-G-T. GRCh37 (hg19) VCF-style: chr16-2115526-G-T.
Other names: c.1606G>T, p.Ala536Ser (NM_001077183.3, NM_001114382.3, NM_001363528.2 and 6 more transcripts); c.1495G>T, p.Ala499Ser (NM_001318827.2, NM_001406670.1, NM_001406678.1); c.1459G>T, p.Ala487Ser (NM_001318829.2, NM_001406675.1, NM_001406676.1 and 1 more transcripts); c.1006G>T, p.Ala336Ser (NM_001318831.2, NM_001406680.1, NM_001406682.1 and 6 more transcripts); c.1639G>T, p.Ala547Ser (NM_001318832.2); c.1696G>T, p.Ala566Ser (NM_001406667.1, NM_001406668.1); c.1594G>T, p.Ala532Ser (NM_001406671.1, NM_001406673.1); c.1549G>T, p.Ala517Ser (NM_001406677.1); and 3 more; short protein forms A2S, A336S, A382S, A532S, A547S, A499S, A517S, A536S.
Identifiers: ClinVar variation 1776299 (VCV001776299.2), dbSNP rs2087223499, ClinGen allele CA394267570.

ClinVar aggregate classification (germline): Uncertain significance (1 of 4 stars; one submission).

Conditions:
Hereditary cancer-predisposing syndrome. Also called: Neoplastic Syndromes, Hereditary; Tumor predisposition; Hereditary Cancer Syndrome; Hereditary neoplastic syndrome. Identifiers: Orphanet 140162, MedGen C0027672, MeSH D009386, MONDO:0015356.

Allele frequency attached by ClinVar (database versions not stated): gnomAD 0.00001.
gnomAD v4.1: 1 of 1,613,044 alleles (0.000062%); highest among the groups gnomAD compares: Non-Finnish European, 0.000085%; no homozygotes.

Submission:

Ambry Genetics
Classification: Uncertain significance for Hereditary cancer-predisposing syndrome. Last evaluated: 2020-03-20. Review status: criteria provided, single submitter. Criteria: Ambry Variant Classification Scheme 2023. Collection method: clinical testing. Allele origin: germline.
Comment: The p.A536S variant (also known as c.1606G>T), located in coding exon 15 of the TSC2 gene, results from a G to T substitution at nucleotide position 1606. The alanine at codon 536 is replaced by serine, an amino acid with similar properties. This amino acid position is not well conserved in available vertebrate species. In addition, this alteration is predicted to be tolerated by in silico analysis. Since supporting evidence is limited at this time, the clinical significance of this alteration remains unclear.